The following is an entry in ClinVar:

NM_147127.5(EVC2):c.1060G>A (p.Val354Met)

Gene: EVC2 (EvC ciliary complex subunit 2; minus strand). Cytogenetic location: 4p16.2.
Variant type: single nucleotide variant.
Coding change: c.1060G>A on transcript NM_147127.5 (MANE Select); coding-DNA position 1060, G replaced by A.
Protein change: p.Val354Met; replaces valine 354 with methionine.
Molecular consequence: missense variant.
Genome position (GRCh38, 1-based): chr4:5,663,192, C>T on the plus strand (G>A on the coding strand, the complement: EVC2 is on the minus strand). VCF-style: chr4-5663192-C-T. GRCh37 (hg19) VCF-style: chr4-5664919-C-T.
Other names: c.1060G>A (NM_147127.4); c.820G>A, p.Val274Met (NM_001166136.2); short protein forms V274M, V354M.
Identifiers: ClinVar variation 2041118 (VCV002041118.4), dbSNP rs766569633, ClinGen allele CA2835165.

ClinVar aggregate classification (germline): Uncertain significance. Review status: criteria provided, multiple submitters, no conflicts (2 of 4 stars). 2 submissions from 2 submitters: Uncertain significance (2). Last evaluated 2025-11-12.

Conditions:
Inborn genetic diseases. Identifiers: MedGen C0950123, MeSH D030342.
Ellis-van Creveld syndrome (EVC). Also called: MESOECTODERMAL DYSPLASIA; EVC-Related Ellis-van Creveld Syndrome; EVC2-Related Ellis-van Creveld Syndrome; Chondroectodermal dysplasia. Identifiers: Orphanet 289, MedGen C0013903, MONDO:0009162, OMIM 225500.
Curry-Hall syndrome (WAD). Also called: WEYERS ACRODENTAL DYSOSTOSIS. Identifiers: Orphanet 952, MedGen C0457013, MONDO:0008673, OMIM 193530.

Allele frequency attached by ClinVar (database versions not stated): TOPMed below 0.00001; ExAC 0.00001.

Submissions (2):

Labcorp Genetics (formerly Invitae), Labcorp
Classification: Uncertain significance for Curry-Hall syndrome; Ellis-van Creveld syndrome. Last evaluated: 2025-11-12. Review status: criteria provided, single submitter. Criteria: Invitae Variant Classification Sherloc (09022015). Collection method: clinical testing. Allele origin: germline.
Comment: This sequence change replaces valine, which is neutral and non-polar, with methionine, which is neutral and non-polar, at codon 354 of the EVC2 protein (p.Val354Met). This variant is present in population databases (rs766569633, gnomAD 0.006%). This variant has not been reported in the literature in individuals affected with EVC2-related conditions. ClinVar contains an entry for this variant (Variation ID: 2041118). An algorithm developed to predict the effect of missense changes on protein structure and function outputs the following: PolyPhen-2: "Benign". The methionine amino acid residue is found in multiple mammalian species, which suggests that this missense change does not adversely affect protein function. In summary, the available evidence is currently insufficient to determine the role of this variant in disease. Therefore, it has been classified as a Variant of Uncertain Significance.

Ambry Genetics
Classification: Uncertain significance for Inborn genetic diseases. Last evaluated: 2025-04-30. Review status: criteria provided, single submitter. Criteria: Ambry Variant Classification Scheme 2023. Collection method: clinical testing. Allele origin: germline.